The following is an entry in ClinVar:

NM_030625.3(TET1):c.4936C>T (p.Arg1646Ter)

Gene: TET1 (tet methylcytosine dioxygenase 1; plus strand). Cytogenetic location: 10q21.3.
Variant type: single nucleotide variant.
Coding change: c.4936C>T on transcript NM_030625.3 (MANE Select); coding-DNA position 4936, C replaced by T.
Protein change: p.Arg1646Ter; replaces arginine 1646 with a stop codon.
Molecular consequence: nonsense.
Genome position (GRCh38, 1-based): chr10:68,682,857, C>T. VCF-style: chr10-68682857-C-T. GRCh37 (hg19) VCF-style: chr10-70442614-C-T.
Other names: c.5023C>T, p.Arg1675Ter (NM_001406365.1); c.3112C>T, p.Arg1038Ter (NM_001406367.1); c.3010C>T, p.Arg1004Ter (NM_001406368.1, NM_001406369.1, NM_001406370.1); c.2923C>T, p.Arg975Ter (NM_001406371.1, NM_001406372.1); c.2530C>T, p.Arg844Ter (NM_001406373.1); c.2443C>T, p.Arg815Ter (NM_001406374.1); c.667C>T, p.Arg223Ter (NM_001406375.1); c.580C>T, p.Arg194Ter (NM_001406376.1); short protein forms R1004*, R1038*, R1646*, R1675*, R194*, R223*, R815*, R844*.
Identifiers: ClinVar variation 4081838 (VCV004081838.1).

ClinVar aggregate classification (germline): Uncertain significance (1 of 4 stars; one submission).

Conditions:
Hearing impairment. Also called: Impaired Hearing. Identifiers: MedGen C1384666, MONDO:0005365, HP:0000365.
Neurodevelopmental delay. Identifiers: MedGen C4022738, HP:0012758.
Hypothyroidism. Identifiers: MedGen C0020676, MONDO:0005420, HP:0000821.

gnomAD v4.1: 1 of 1,613,060 alleles (0.000062%); highest among the groups gnomAD compares: African/African-American, 0.0013%; no homozygotes.

Submission:

The Shared Resource Centre "Genome", Research Centre for Medical Genetics
Classification: Uncertain significance for Neurodevelopmental delay; Hearing impairment; Hypothyroidism. Review status: criteria provided, single submitter. Criteria: ACMG Guidelines, 2015. Collection method: clinical testing. Allele origin: de novo. Inheritance: Autosomal dominant inheritance. Affected: yes. Observed: 1 heterozygote.
Comment: The identified nucleotide sequence variant has been registered in the control cohort of the Genome Aggregation Database (gnomAD v3.1.2) with an allele frequency of 0.0006576% (1 heterozygous allele out of 152,062). The TET1 gene is intolerant to loss-of-function variants according to gnomAD (pLI = 1). No phenotypes associated with the TET1 gene have been described in the OMIM database. However, variants in the TET1 gene have been linked to developmental disorder and autism [PMID: 35982159; PMID: 35982160; PMID: 33057194].This variant is classified as a variant of uncertain significance (VUS) given the limited evidence on TET1-related phenotypes and the pathogenicity of variants in this gene. We would welcome any additional cases of patients with similar clinical features and heterozygous TET1 variants to further elucidate the clinical relevance of sequence variants in this gene.

Literature cited by the submitters: PubMed 35982159; PubMed 35982160; PubMed 33057194.